The following is an entry in ClinVar:

ClinVar aggregate classification (germline): Uncertain significance (1 of 4 stars; one submission).

Submission:

GeneDx
Classification: Uncertain significance. Last evaluated: 2025-02-11. Review status: criteria provided, single submitter. Criteria: GeneDx Variant Classification Process June 2021. Collection method: clinical testing. Allele origin: germline. Affected: yes.
Comment: Not observed at significant frequency in large population cohorts (gnomAD); In silico analysis indicates that this missense variant does not alter protein structure/function; Has not been previously published as pathogenic or benign to our knowledge

NM_032229.3(SLITRK6):c.907A>G (p.Ile303Val)

Gene: SLITRK6 (SLIT and NTRK like family member 6; minus strand). Cytogenetic location: 13q31.1.
Variant type: single nucleotide variant.
Coding change: c.907A>G on transcript NM_032229.3 (MANE Select); coding-DNA position 907, A replaced by G.
Protein change: p.Ile303Val; replaces isoleucine 303 with valine.
Molecular consequence: missense variant.
Genome position (GRCh38, 1-based): chr13:85,795,602, T>C on the plus strand (A>G on the coding strand, the complement: SLITRK6 is on the minus strand). VCF-style: chr13-85795602-T-C. GRCh37 (hg19) VCF-style: chr13-86369737-T-C.
Other names: short protein forms I303V.
Identifiers: ClinVar variation 4075539 (VCV004075539.1).
Genomic context (GRCh38, chr13:85,795,602, plus strand): 5'-GAGTGGATGGCTTTGTAATATAAGGTATCAAACCTGGTGCTTTGGTGGGTAGTTTTAGAA[T>C]GGACGTGGTCTTAGTTGACATGCGACTATCATTTATTGAAGATGTTGCTGCCAGATGTAA-3'
Protein context (NP_115605.2, residues 293-313): DSRMSTKTTS[Ile303Val]LKLPTKAPGL